The following is an entry in ClinVar:

ClinVar aggregate classification (germline): Uncertain significance (1 of 4 stars; one submission).

Conditions:
Dyskeratosis congenita. Identifiers: Orphanet 1775, MedGen C0265965, MONDO:0015780.

Submission:

Labcorp Genetics (formerly Invitae), Labcorp
Classification: Uncertain significance for Dyskeratosis congenita. Last evaluated: 2021-07-01. Review status: criteria provided, single submitter. Criteria: Invitae Variant Classification Sherloc (09022015). Collection method: clinical testing. Allele origin: germline.
Comment: This variant results in a copy number gain of the genomic region encompassing exon(s) 1-3 of the DKC1 gene. This region includes the initiator codon of the gene. The 5' end of this event is unknown as it extends beyond the assayed region for this gene and therefore may encompass additional genes. The 3' boundary is likely confined to intron 3 of the DKC1 gene. As the precise location of this event is unknown, it may be in tandem or it may be located elsewhere in the genome. This variant has not been reported in the literature in individuals affected with DKC1-related conditions. In summary, the available evidence is currently insufficient to determine the role of this variant in disease. Therefore, it has been classified as a Variant of Uncertain Significance.

NC_000023.10:g.(?_153991100)_(153993815_?)dup

Gene: DKC1 (dyskerin pseudouridine synthase 1; plus strand). Cytogenetic location: Xq28.
Variant type: Duplication.
Identifiers: ClinVar variation 1487362 (VCV001487362.3).